The following is an entry in ClinVar:

ClinVar aggregate classification (germline): Conflicting classifications of pathogenicity. Review status: criteria provided, conflicting classifications (1 of 4 stars). 5 submissions from 5 submitters: Uncertain significance (4); Likely benign (1). Last evaluated 2026-02-04.

Conditions:
DYNC1H1-related disorder. Also called: DYNC1H1-related condition; DYNC1H1-related disorders. Identifiers: MedGen CN381529.
Charcot-Marie-Tooth disease axonal type 2O. Also called: CHARCOT-MARIE-TOOTH NEUROPATHY, AXONAL, TYPE 2O; CHARCOT-MARIE-TOOTH DISEASE, AXONAL, AUTOSOMAL DOMINANT, TYPE 2O; Charcot-Marie-Tooth Neuropathy Type 2O; Charcot-Marie-Tooth disease, axonal, type 20. Identifiers: Orphanet 284232, MedGen C3280220, MONDO:0013644, OMIM 614228.

Allele frequency attached by ClinVar (database versions not stated): gnomAD 0.00001; gnomAD exomes 0.00002; TOPMed 0.00002.
gnomAD v4.1: 27 of 1,614,080 alleles (0.0017%); highest among the groups gnomAD compares: Non-Finnish European, 0.0022%; no homozygotes.

Submissions (5):

PreventionGenetics, part of Exact Sciences
Classification: Uncertain significance for DYNC1H1-related condition. Last evaluated: 2026-02-04. Review status: criteria provided, single submitter. Criteria: ACMG Guidelines, 2015. Collection method: clinical testing. Allele origin: germline.
Comment: The DYNC1H1 c.12589G>A variant is predicted to result in the amino acid substitution p.Ala4197Thr. To our knowledge, this variant has not been reported in the literature or in a large population database (gnomAD), indicating this variant is rare. At this time, the clinical significance of this variant is uncertain due to the absence of conclusive functional and genetic evidence.

Labcorp Genetics (formerly Invitae), Labcorp
Classification: Uncertain significance for Charcot-Marie-Tooth disease axonal type 2O. Last evaluated: 2026-02-02. Review status: criteria provided, single submitter. Criteria: Invitae Variant Classification Sherloc (09022015). Collection method: clinical testing. Allele origin: germline.
Comment: This sequence change replaces alanine, which is neutral and non-polar, with threonine, which is neutral and polar, at codon 4197 of the DYNC1H1 protein (p.Ala4197Thr). This variant is not present in population databases (gnomAD no frequency). This missense change has been observed in individual(s) with Charcot Marie Tooth (internal data). ClinVar contains an entry for this variant (Variation ID: 245962). Invitae Evidence Modeling of protein sequence and biophysical properties (such as structural, functional, and spatial information, amino acid conservation, physicochemical variation, residue mobility, and thermodynamic stability) indicates that this missense variant is not expected to disrupt DYNC1H1 protein function with a negative predictive value of 95%. In summary, the available evidence is currently insufficient to determine the role of this variant in disease. Therefore, it has been classified as a Variant of Uncertain Significance.

Blueprint Genetics
Classification: Uncertain significance. Last evaluated: 2024-03-18. Review status: criteria provided, single submitter. Criteria: ACMG Guidelines, 2015. Collection method: clinical testing. Allele origin: germline.

GeneDx
Classification: Uncertain significance. Last evaluated: 2021-06-02. Review status: criteria provided, single submitter. Criteria: GeneDx Variant Classification Process June 2021. Collection method: clinical testing. Allele origin: germline. Affected: yes.
Comment: Has not been previously published as pathogenic or benign to our knowledge; Not observed at significant frequency in large population cohorts (Lek et al., 2016); In silico analysis supports that this missense variant does not alter protein structure/function; This variant is associated with the following publications: (PMID: 27535533, 25512093, 26100331, 25609763)

Genetic Services Laboratory, University of Chicago
Classification: Likely benign. Last evaluated: 2016-12-23. Review status: criteria provided, single submitter. Criteria: ACMG Guidelines, 2015. Collection method: clinical testing. Allele origin: germline. Affected: no.

NM_001376.5(DYNC1H1):c.12589G>A (p.Ala4197Thr)

Gene: DYNC1H1 (dynein cytoplasmic 1 heavy chain 1; plus strand). Cytogenetic location: 14q32.31.
Variant type: single nucleotide variant.
Coding change: c.12589G>A on transcript NM_001376.5 (MANE Select); coding-DNA position 12589, G replaced by A.
Protein change: p.Ala4197Thr; replaces alanine 4197 with threonine.
Molecular consequence: missense variant.
Genome position (GRCh38, 1-based): chr14:102,043,950, G>A. VCF-style: chr14-102043950-G-A. GRCh37 (hg19) VCF-style: chr14-102510287-G-A.
Other names: short protein forms A4197T.
Identifiers: ClinVar variation 245962 (VCV000245962.19), dbSNP rs879254018, ClinGen allele CA10584477.
Genomic context (GRCh38, chr14:102,043,950, plus strand): 5'-GCCCGCTTGTACTTCCTGCTGGCCTGGTTTCATGCGATCATCCAAGAACGCTTACGATAC[G>A]CACCACTGGGGTGGTCAAAGAAGTATGAATTTGGAGAGTCTGACCTGCGGTCAGCTTGCG-3'
Protein context (NP_001367.2, residues 4187-4207): HAIIQERLRY[Ala4197Thr]PLGWSKKYEF